The following is an entry in ClinVar:

NM_005121.3(MED13):c.257G>A (p.Gly86Asp)

Gene: MED13 (mediator complex subunit 13; minus strand). Cytogenetic location: 17q23.2.
Variant type: single nucleotide variant.
Coding change: c.257G>A on transcript NM_005121.3 (MANE Select); coding-DNA position 257, G replaced by A.
Protein change: p.Gly86Asp; replaces glycine 86 with aspartic acid.
Molecular consequence: missense variant.
Genome position (GRCh38, 1-based): chr17:62,063,111, C>T on the plus strand (G>A on the coding strand, the complement: MED13 is on the minus strand). VCF-style: chr17-62063111-C-T. GRCh37 (hg19) VCF-style: chr17-60140472-C-T.
Other names: short protein forms G86D.
Identifiers: ClinVar variation 4859850 (VCV004859850.1).

ClinVar aggregate classification (germline): Uncertain significance (1 of 4 stars; one submission).

Conditions:
Inborn genetic diseases. Identifiers: MedGen C0950123, MeSH D030342.

gnomAD v4.1: 2 of 1,614,038 alleles (0.00012%); highest among the groups gnomAD compares: Non-Finnish European, 0.00017%; no homozygotes.

Submission:

Ambry Genetics
Classification: Uncertain significance for Inborn genetic diseases. Last evaluated: 2026-05-10. Review status: criteria provided, single submitter. Criteria: Ambry Variant Classification Scheme 2023. Collection method: clinical testing. Allele origin: germline.
Comment: The c.257G>A (p.G86D) alteration is located in exon 2 (coding exon 2) of the MED13 gene. This alteration results from a G to A substitution at nucleotide position 257, causing the glycine (G) at amino acid position 86 to be replaced by an aspartic acid (D). Based on data from gnomAD, the A allele has an overall frequency of 0.003% (1/31392) total alleles studied. The highest observed frequency was 0.007% (1/15424) of European (non-Finnish) alleles. Based on insufficient or conflicting evidence, the clinical significance of this alteration remains unclear.